The following is an entry in ClinVar:

ClinVar aggregate classification (germline): Uncertain significance (1 of 4 stars; one submission).

Submission:

GeneDx
Classification: Uncertain significance. Last evaluated: 2022-01-21. Review status: criteria provided, single submitter. Criteria: GeneDx Variant Classification Process June 2021. Collection method: clinical testing. Allele origin: germline. Affected: yes.
Comment: Not observed at significant frequency in large population cohorts (gnomAD); In silico analysis supports that this missense variant has a deleterious effect on protein structure/function; Has not been previously published as pathogenic or benign to our knowledge

NM_021815.5(SLC5A7):c.382G>C (p.Gly128Arg)

Gene: SLC5A7 (solute carrier family 5 member 7; plus strand). Cytogenetic location: 2q12.3.
Variant type: single nucleotide variant.
Coding change: c.382G>C on transcript NM_021815.5 (MANE Select); coding-DNA position 382, G replaced by C.
Protein change: p.Gly128Arg; replaces glycine 128 with arginine.
Molecular consequence: missense variant. On other transcripts: 5 prime UTR variant (1).
Genome position (GRCh38, 1-based): chr2:107,993,061, G>C. VCF-style: chr2-107993061-G-C. GRCh37 (hg19) VCF-style: chr2-108609517-G-C.
Other names: c.382G>C, p.Gly128Arg (NM_001305005.3); c.67G>C, p.Gly23Arg (NM_001305006.3); c.-323G>C (NM_001305007.3); short protein forms G128R, G23R.
Identifiers: ClinVar variation 1698140 (VCV001698140.2), dbSNP rs1222306029, ClinGen allele CA348020860.